The following is an entry in ClinVar:

NM_001042681.2(RERE):c.142A>G (p.Lys48Glu)

Gene: RERE (arginine-glutamic acid dipeptide repeats; minus strand). Cytogenetic location: 1p36.23.
Variant type: single nucleotide variant.
Coding change: c.142A>G on transcript NM_001042681.2 (MANE Select); coding-DNA position 142, A replaced by G.
Protein change: p.Lys48Glu; replaces lysine 48 with glutamic acid.
Molecular consequence: missense variant.
Genome position (GRCh38, 1-based): chr1:8,656,156, T>C on the plus strand (A>G on the coding strand, the complement: RERE is on the minus strand). VCF-style: chr1-8656156-T-C. GRCh37 (hg19) VCF-style: chr1-8716215-T-C.
Other names: c.142A>G, p.Lys48Glu (NM_012102.4); short protein forms K48E.
Identifiers: ClinVar variation 1806209 (VCV001806209.1), dbSNP rs2522625470, ClinGen allele CA338223050.

ClinVar aggregate classification (germline): Likely benign (1 of 4 stars; one submission).

Conditions:
Neurodevelopmental disorder with or without anomalies of the brain, eye, or heart (NEDBEH). Identifiers: Orphanet 494344, MedGen C5567477, MONDO:0014857, OMIM 616975.

Allele frequency attached by ClinVar (database versions not stated): gnomAD exomes below 0.00001.
gnomAD v4.1: 2 of 1,614,128 alleles (0.00012%); highest among the groups gnomAD compares: Non-Finnish European, 0.00017%; no homozygotes.

Submission:

Victorian Clinical Genetics Services, Murdoch Childrens Research Institute
Classification: Likely benign for Neurodevelopmental disorder with or without anomalies of the brain, eye, or heart. Last evaluated: 2021-05-06. Review status: criteria provided, single submitter. Criteria: ACMG Guidelines, 2015. Collection method: clinical testing. Allele origin: germline. Inheritance: Autosomal dominant inheritance. Affected: yes.
Comment: Based on the classification scheme VCGS_Germline_v1.3.4, this variant is classified as Likely benign. Following criteria are met: 0102 - Loss of function is a known mechanism of disease in this gene and is associated with neurodevelopmental disorder with or without anomalies of the brain, eye, or heart (MIM#616975). Dominant negative is also a suggested mechanism for some missense variants (PMID: 29330883). (I) 0107 - This gene is associated with autosomal dominant disease. (I) 0200 - Variant is predicted to result in a missense amino acid change from lysine to glutamic acid. (I) 0251 - This variant is heterozygous. (I) 0301 - Variant is absent from gnomAD (both v2 and v3). (SP) 0309 - An alternative amino acid change at the same position has been observed in gnomAD (v2, v3) (2 heterozygotes, 0 homozygotes). (I) 0502 - Missense variant with conflicting in silico predictions and uninformative conservation. (I) 0604 - Variant is not located in an established domain, motif, hotspot or informative constraint region. (I) 0705 - No comparable missense variants have previous evidence for pathogenicity. (I) 0807 - This variant has no previous evidence of pathogenicity. (I) 0905 - No published segregation evidence has been identified for this variant. (I) 1007 - No published functional evidence has been identified for this variant. (I) Legend: (SP) - Supporting pathogenic, (I) - Information, (SB) - Supporting benign

Literature cited by the submitters: PubMed 29330883.